The following is an entry in ClinVar:

NM_005912.3(MC4R):c.173G>A (p.Ser58Asn)

Gene: MC4R (melanocortin 4 receptor; minus strand). Cytogenetic location: 18q21.32.
Variant type: single nucleotide variant.
Coding change: c.173G>A on transcript NM_005912.3 (MANE Select); coding-DNA position 173, G replaced by A.
Protein change: p.Ser58Asn; replaces serine 58 with asparagine.
Molecular consequence: missense variant.
Genome position (GRCh38, 1-based): chr18:60,372,177, C>T on the plus strand (G>A on the coding strand, the complement: MC4R is on the minus strand). VCF-style: chr18-60372177-C-T. GRCh37 (hg19) VCF-style: chr18-58039410-C-T.
Other names: short protein forms S58N.
Identifiers: ClinVar variation 3351577 (VCV003351577.2).

ClinVar aggregate classification (germline): Uncertain significance. Review status: criteria provided, single submitter (1 of 4 stars). 2 submissions from 2 submitters: Uncertain significance (1). 1 of the submissions does not count toward it. Last evaluated 2024-03-13.

Conditions:
MC4R-related disorder. Also called: MC4R-related condition.

Submissions (2):

GeneDx
Classification: Uncertain significance. Last evaluated: 2024-03-13. Review status: criteria provided, single submitter. Criteria: GeneDx Variant Classification Process June 2021. Collection method: clinical testing. Allele origin: germline. Affected: yes.
Comment: Not observed at significant frequency in large population cohorts (gnomAD); In silico analysis supports that this missense variant does not alter protein structure/function; Identified in a healthy control individual in the published literature (PMID: 27634552); This variant is associated with the following publications: (PMID: 27634552)

PreventionGenetics, part of Exact Sciences
Classification: Likely pathogenic for MC4R-related condition. Last evaluated: 2024-09-24. Review status: no assertion criteria provided. Collection method: clinical testing. Allele origin: germline. Not counted in ClinVar's aggregate classification.
Comment: The MC4R c.173G>A variant is predicted to result in the amino acid substitution p.Ser58Asn. This variant was reported in a presumably healthy individual in a study of obese individuals (Kirac et al 2016. PubMed ID 27634552). To our knowledge, this variant has not been reported in a large population database, indicating this variant is rare. At PreventionGenetics, we have observed this variant in eight individuals with obesity and segregation in a parent and child with obesity (internal data). An alternative nucleotide change affecting the same amino acid residue, c.172A>T (p.Ser58Cys), has been reported in association with obesity, but was also observed in controls (Dubern et al. 2001. PubMed ID: 11487744; Yurtcu et al. 2009. PubMed ID: 19184404). Functional studies indicate that the p.Ser58Cys change results in defective trafficking to the cell surface and decreased ligand binding in vitro (see for example Lubrano-Berthelier et al. 2003. PubMed ID: 12499395; Tao and Segaloff. 2003. PubMed ID: 12959994; He and Tao. 2014. PubMed ID: 25332687), suggesting that the p.Ser58 residue is critical for MC4R function. This variant is interpreted as likely pathogenic for autosomal dominant MC4R-related disorders.